The following is an entry in ClinVar:

ClinVar aggregate classification (germline): Pathogenic (1 of 4 stars; one submission).

Conditions:
Werner syndrome (WRN). Identifiers: Orphanet 902, MedGen C0043119, MONDO:0010196, OMIM 277700.

Submission:

Labcorp Genetics (formerly Invitae), Labcorp
Classification: Pathogenic for Werner syndrome. Last evaluated: 2019-10-09. Review status: criteria provided, single submitter. Criteria: Invitae Variant Classification Sherloc (09022015). Collection method: clinical testing. Allele origin: germline.
Comment: This sequence change creates a premature translational stop signal (p.Met1285Aspfs*17) in the WRN gene. It is expected to result in an absent or disrupted protein product. This variant is not present in population databases (ExAC no frequency). This variant has not been reported in the literature in individuals with WRN-related conditions. Loss-of-function variants in WRN are known to be pathogenic (PMID: 16673358). For these reasons, this variant has been classified as Pathogenic.

Literature cited by the submitters: PubMed 16673358.

NM_000553.6(WRN):c.3852_3853del (p.Met1285fs)

Gene: WRN (WRN RecQ like helicase; plus strand). Cytogenetic location: 8p12.
Variant type: Deletion.
Coding change: c.3852_3853del on transcript NM_000553.6 (MANE Select); coding-DNA positions 3852 to 3853, 2 bases deleted (CA; older notation c.3852_3853delCA).
Protein change: p.Met1285fs; shifts the reading frame from methionine 1285.
Molecular consequence: frameshift variant.
Genome position (GRCh38, 1-based): chr8:31,157,400-31,157,401, CA deleted. VCF-style (leftmost placement, unchanged base first): chr8-31157399-TCA-T. GRCh37 (hg19) VCF-style: chr8-31014915-TCA-T.
Other names: short protein forms M1285fs.
Identifiers: ClinVar variation 941763 (VCV000941763.6), dbSNP rs1803426742, ClinGen allele CA1139660439.